The following is an entry in ClinVar:

ClinVar aggregate classification (germline): Benign. Review status: reviewed by expert panel (3 of 4 stars). 10 submissions from 10 submitters: Benign (1). 9 of the submissions do not count toward it. Last evaluated 2025-09-29.

Conditions:
AIPL1-related disorder. Also called: AIPL1-related condition; AIPL1-related disorders. Identifiers: MedGen CN239169.
AIPL1-related retinopathy. Also called: AIPL1 retinopathy. Identifiers: MedGen CN305590, MONDO:0100438.
Retinal dystrophy. Also called: Inherited retinal dystrophy. Identifiers: Orphanet 71862, MedGen C0854723, MeSH D058499, MONDO:0019118, HP:0000556.
Leber congenital amaurosis 4 (LCA4). Identifiers: MedGen C1858386, MONDO:0011458, OMIM 604393.

Allele frequency attached by ClinVar (database versions not stated): 1000 Genomes Project 0.00040; gnomAD exomes 0.00176 and 0.00290; TOPMed 0.00204; gnomAD 0.00200 and 0.00190; ExAC 0.00165; ESP Exome Variant Server 0.00254; 1000 Genomes Project 30x 0.00047.
gnomAD v4.1: 4,498 of 1,613,164 alleles (0.28%); highest among the groups gnomAD compares: Non-Finnish European, 0.35%; 6 homozygotes.

Submissions (10):

ClinGen Leber Congenital Amaurosis/early Onset Retinal Dystrophy Variant Curation Expert Panel, ClinGen
Classification: Benign for AIPL1-related retinopathy. Last evaluated: 2025-09-29. Review status: reviewed by expert panel. Criteria: ClinGen LCAeoRD ACMG Specifications AIPL1 V1.0.0. Collection method: curation. Allele origin: germline. Inheritance: Autosomal recessive inheritance.
Comment: NM_014336.5(AIPL1):c.1006G>A (p.Ala336Thr) is a missense variant in exon 6 of 6. The variant is predicted to change the amino acid alanine at position p.336 to threonine. This variant is present in gnomAD v.4.1.0 at a Grpmax allele frequency of 0.003394, with 4,110 alleles / 1,179,854 total alleles in the European (non-Finnish) population, which is higher than the ClinGen LCA/eoRD VCEP BS1 threshold of >0.00057 (BS1). This variant has been found in the homozygous state in 6 adult individuals in gnomAD which meets the LCA/eoRD VCEP threshold of ≥6 (gnomAD version 4.1.0; BS2). The computational predictor REVEL gives a score of 0.209, which is below the ClinGen LCA/eoRD VCEP threshold of ≤0.290 and predicts a non-damaging effect on AIPL1 protein function. In addition, the splicing impact predictor SpliceAI gives a delta score of 0, which is below the ClinGen LCA/eoRD VCEP recommended threshold of <0.1 and does not predict an impact on splicing (BP4). In summary, this variant meets the criteria to be classified as Benign for AIPL1-related retinopathy based on the ACMG/AMP criteria applied, as specified by the ClinGen LCA/eoRD VCEP: BS1, BS2, and BP4. (VCEP specifications version 1.0.0; date of approval 09/24/2025).

Labcorp Genetics (formerly Invitae), Labcorp
Classification: Benign for Leber congenital amaurosis 4. Last evaluated: 2026-02-02. Review status: criteria provided, single submitter. Criteria: Invitae Variant Classification Sherloc (09022015). Collection method: clinical testing. Allele origin: germline. Not counted in ClinVar's aggregate classification.

CeGaT Center for Human Genetics Tuebingen
Classification: Likely benign. Last evaluated: 2025-05-01. Review status: criteria provided, single submitter. Criteria: CeGaT Center For Human Genetics Tuebingen Variant Classification Criteria Version 2. Collection method: clinical testing. Allele origin: germline. Affected: yes. Observed: 3 variant alleles. Not counted in ClinVar's aggregate classification.
Comment: AIPL1: BP4, BS2

Blueprint Genetics
Classification: Likely benign. Last evaluated: 2024-11-27. Review status: criteria provided, single submitter. Criteria: ACMG Guidelines, 2015. Collection method: clinical testing. Allele origin: germline. Not counted in ClinVar's aggregate classification.

Institute of Human Genetics, Univ. Regensburg, Univ. Regensburg
Classification: Uncertain significance for Retinal dystrophy. Last evaluated: 2022-01-01. Review status: criteria provided, single submitter. Criteria: ACMG Guidelines, 2015. Collection method: clinical testing. Allele origin: germline. Affected: yes. Not counted in ClinVar's aggregate classification.

Eurofins Ntd Llc (ga)
Classification: Uncertain significance. Last evaluated: 2017-11-16. Review status: criteria provided, single submitter. Criteria: EGL Classification Definitions 2015. Collection method: clinical testing. Allele origin: germline. Observed: 3 variant alleles, 3 heterozygotes. Not counted in ClinVar's aggregate classification.

Illumina Laboratory Services, Illumina
Classification: Uncertain significance for Leber congenital amaurosis 4. Last evaluated: 2017-04-27. Review status: criteria provided, single submitter. Criteria: ICSL Variant Classification Criteria 13 December 2019. Collection method: clinical testing. Allele origin: germline. Not counted in ClinVar's aggregate classification.
Comment: This variant was observed as part of a predisposition screen in an ostensibly healthy population. A literature search was performed for the gene, cDNA change, and amino acid change (where applicable). Publications were found based on this search. However, the evidence from the literature, in combination with allele frequency data from public databases where available, was not sufficient to rule this variant in or out of causing disease. Therefore, this variant is classified as a variant of unknown significance.

GeneDx
Classification: Likely benign. Last evaluated: 2015-04-30. Review status: criteria provided, single submitter. Criteria: GeneDx Variant Classification (06012015). Collection method: clinical testing. Allele origin: germline. Affected: yes. Not counted in ClinVar's aggregate classification.
Comment: This variant is considered likely benign or benign based on one or more of the following criteria: it is a conservative change, it occurs at a poorly conserved position in the protein, it is predicted to be benign by multiple in silico algorithms, and/or has population frequency not consistent with disease.

PreventionGenetics, part of Exact Sciences
Classification: Likely benign for AIPL1-related condition. Last evaluated: 2024-07-25. Review status: no assertion criteria provided. Collection method: clinical testing. Allele origin: germline. Not counted in ClinVar's aggregate classification.
Comment: This variant is classified as likely benign based on ACMG/AMP sequence variant interpretation guidelines (Richards et al. 2015 PMID: 25741868, with internal and published modifications).

Department of Pathology and Laboratory Medicine, Sinai Health System
Classification: Likely benign. Review status: no assertion criteria provided. Collection method: clinical testing. Allele origin: unknown. Affected: yes. Study: The Canadian Open Genetics Repository (COGR). Not counted in ClinVar's aggregate classification.
Comment: The AIPL1 p.Ala324Thr variant was not identified in the literature but was identified in dbSNP (ID: rs143092701), ClinVar (classified as benign by Invitae; as likely benign by GeneDx; as uncertain significance by EGL Genetics), and LOVD 3.0. The variant was identified in control databases in 486 of 281528 chromosomes (2 homozygous) at a frequency of 0.001726 increasing the likelihood this could be a low frequency benign variant (Genome Aggregation Database March 6, 2019, v2.1.1). The variant was observed in the following populations: European (non-Finnish) in 388 of 128476 chromosomes (freq: 0.00302), Ashkenazi Jewish in 27 of 10350 chromosomes (freq: 0.002609), Latino in 47 of 35428 chromosomes (freq: 0.001327), Other in 4 of 7200 chromosomes (freq: 0.000556), African in 12 of 24912 chromosomes (freq: 0.000482), European (Finnish) in 7 of 24610 chromosomes (freq: 0.000284) and South Asian in 1 of 30612 chromosomes (freq: 0.000033), but was not observed in the East Asian population. The p.Ala324 residue is conserved in mammals but not in more distantly related organisms however computational analyses (PolyPhen-2, SIFT, AlignGVGD, BLOSUM, MutationTaster) do not suggest a high likelihood of impact to the protein; this information is not predictive enough to rule out pathogenicity. The variant occurs outside of the splicing consensus sequence and 1 of 4 in silico or computational prediction software programs (SpliceSiteFinder, MaxEntScan, NNSPLICE, GeneSplicer) predict a greater than 10% difference in splicing; this is not very predictive of pathogenicity. In summary, based on the above information the clinical significance of this variant cannot be determined with certainty at this time although we would lean towards a more benign role for this variant. This variant is classified as likely benign.

Literature cited by the submitters: PubMed 32483926 (cited by Institute of Human Genetics, Univ. Regensburg, Univ. Regensburg); PubMed 10927016 (cited by Illumina Laboratory Services, Illumina); PubMed 11139241 (cited by Illumina Laboratory Services, Illumina).

NM_014336.5(AIPL1):c.1006G>A (p.Ala336Thr)

Gene: AIPL1 (AIP like 1 HSP90 co-chaperone; minus strand). Cytogenetic location: 17p13.2.
Variant type: single nucleotide variant.
Coding change: c.1006G>A on transcript NM_014336.5 (MANE Select); coding-DNA position 1006, G replaced by A.
Protein change: p.Ala336Thr; replaces alanine 336 with threonine.
Molecular consequence: missense variant. On other transcripts: 3 prime UTR variant (1).
Genome position (GRCh38, 1-based): chr17:6,425,609, C>T on the plus strand (G>A on the coding strand, the complement: AIPL1 is on the minus strand). VCF-style: chr17-6425609-C-T. GRCh37 (hg19) VCF-style: chr17-6328929-C-T.
Other names: NM_014336.5(AIPL1):c.1006G>A; c.817G>A, p.Ala273Thr (NM_001033054.3); c.826G>A, p.Ala276Thr (NM_001033055.3); c.970G>A, p.Ala324Thr (NM_001285399.3); c.940G>A, p.Ala314Thr (NM_001285400.3); c.934G>A, p.Ala312Thr (NM_001285401.3); c.889G>A, p.Ala297Thr (NM_001285402.2); c.*977G>A (NM_001285403.4); short protein forms A336T, A314T, A312T, A324T, A273T, A276T, A297T.
Identifiers: ClinVar variation 166665 (VCV000166665.45), dbSNP rs143092701, ClinGen allele CA233457.